The following is an entry in ClinVar:

ClinVar aggregate classification (germline): Uncertain significance. Review status: criteria provided, multiple submitters, no conflicts (2 of 4 stars). 2 submissions from 2 submitters: Uncertain significance (2). Last evaluated 2022-09-01.

Allele frequency attached by ClinVar (database versions not stated): gnomAD exomes below 0.00001; ExAC 0.00001.

Submissions (2):

GeneDx
Classification: Uncertain significance. Last evaluated: 2022-09-01. Review status: criteria provided, single submitter. Criteria: GeneDx Variant Classification Process June 2021. Collection method: clinical testing. Allele origin: germline. Affected: yes.
Comment: Not observed at significant frequency in large population cohorts (gnomAD); In silico analysis supports that this missense variant has a deleterious effect on protein structure/function; In-silico analysis is inconclusive as to whether the variant alters gene splicing. In the absence of RNA/functional studies, the actual effect of this sequence change is unknown.; Has not been previously published as pathogenic or benign to our knowledge

Blueprint Genetics
Classification: Uncertain significance. Last evaluated: 2018-12-01. Review status: criteria provided, single submitter. Criteria: ACMG Guidelines, 2015. Collection method: clinical testing. Allele origin: germline.

NM_002900.3(RBP3):c.680T>C (p.Val227Ala)

Gene: RBP3 (retinol binding protein 3; plus strand). Cytogenetic location: 10q11.22.
Variant type: single nucleotide variant.
Coding change: c.680T>C on transcript NM_002900.3 (MANE Select); coding-DNA position 680, T replaced by C.
Protein change: p.Val227Ala; replaces valine 227 with alanine.
Molecular consequence: missense variant.
Genome position (GRCh38, 1-based): chr10:47,349,164, T>C. VCF-style: chr10-47349164-T-C. GRCh37 (hg19) VCF-style: chr10-48390198-A-G.
Other names: short protein forms V227A.
Identifiers: ClinVar variation 2442761 (VCV002442761.2), dbSNP rs781808629, ClinGen allele CA5487727.